The following is an entry in ClinVar:

ClinVar aggregate classification (germline): Uncertain significance (1 of 4 stars; one submission).

Submission:

Women's Health and Genetics/Laboratory Corporation of America, LabCorp
Classification: Uncertain significance. Last evaluated: 2024-05-02. Review status: criteria provided, single submitter. Criteria: LabCorp Variant Classification Summary - May 2015. Collection method: clinical testing. Allele origin: germline.
Comment: Variant summary: ARID1A c.493G>T (p.Ala165Ser) results in a conservative amino acid change in the encoded protein sequence. Five of five in-silico tools predict a benign effect of the variant on protein function. The frequency data for this variant in gnomAD is considered unreliable, as metrics indicate poor data quality at this position. To our knowledge, no occurrence of c.493G>T in individuals affected with Mental Retardation, Autosomal Dominant 14 and no experimental evidence demonstrating its impact on protein function have been reported. No submitters have cited clinical-significance assessments for this variant to ClinVar. Based on the evidence outlined above, the variant was classified as uncertain significance.

NM_006015.6(ARID1A):c.493G>T (p.Ala165Ser)

Gene: ARID1A (AT-rich interaction domain 1A; plus strand). Cytogenetic location: 1p36.11.
Variant type: single nucleotide variant.
Coding change: c.493G>T on transcript NM_006015.6 (MANE Select); coding-DNA position 493, G replaced by T.
Protein change: p.Ala165Ser; replaces alanine 165 with serine.
Molecular consequence: missense variant.
Genome position (GRCh38, 1-based): chr1:26,696,896, G>T. VCF-style: chr1-26696896-G-T. GRCh37 (hg19) VCF-style: chr1-27023387-G-T.
Other names: c.493G>T, p.Ala165Ser (NM_139135.4); short protein forms A165S.
Identifiers: ClinVar variation 3336236 (VCV003336236.1).
Genomic context (GRCh38, chr1:26,696,896, plus strand): 5'-CCCCCAGCCTACGGCTTCGGGCAACCCTACGGCCGGAGCCCGTCTGCCGTCGCCGCCGCC[G>T]CGGCCGCCGTCTTCCACCAACAACATGGCGGACAACAAAGCCCTGGCCTGGCAGCGCTGC-3'
Protein context (NP_006006.3, residues 155-175): GRSPSAVAAA[Ala165Ser]AAVFHQQHGG